The following is an entry in ClinVar:

ClinVar aggregate classification (germline): Benign (1 of 4 stars; one submission).

Conditions:
Legius syndrome. Identifiers: Orphanet 137605, MedGen C1969623, MONDO:0012669, OMIM 611431. Disease mechanism: loss of function.

Allele frequency attached by ClinVar (database versions not stated): gnomAD exomes 0.00034; gnomAD 0.00547 and 0.00592; TOPMed 0.00625; 1000 Genomes Project 30x 0.00640; 1000 Genomes Project 0.00659.
gnomAD v4.1: 829 of 173,882 alleles (0.48%); highest among the groups gnomAD compares: African/African-American, 1.9%; 8 homozygotes.

Submission:

Illumina Laboratory Services, Illumina
Classification: Benign for Legius syndrome. Last evaluated: 2018-01-13. Review status: criteria provided, single submitter. Criteria: ICSL Variant Classification Criteria 13 December 2019. Collection method: clinical testing. Allele origin: germline.
Comment: This variant was observed in the ICSL laboratory as part of a predisposition screen in an ostensibly healthy population. It had not been previously curated by ICSL or reported in the Human Gene Mutation Database (HGMD: prior to June 1st, 2018), and was therefore a candidate for classification through an automated scoring system. Utilizing variant allele frequency, disease prevalence and penetrance estimates, and inheritance mode, an automated score was calculated to assess if this variant is too frequent to cause the disease. Based on the score and internal cut-off values, a variant classified as benign is not then subjected to further curation. The score for this variant resulted in a classification of benign for this disease.

NM_152594.3(SPRED1):c.*427A>T

Gene: SPRED1 (sprouty related EVH1 domain containing 1; plus strand). Cytogenetic location: 15q14.
Variant type: single nucleotide variant.
Coding change: c.*427A>T on transcript NM_152594.3 (MANE Select); 427 bases downstream of the stop codon, A replaced by T.
Molecular consequence: 3 prime UTR variant.
Genome position (GRCh38, 1-based): chr15:38,352,091, A>T. VCF-style: chr15-38352091-A-T. GRCh37 (hg19) VCF-style: chr15-38644292-A-T.
Identifiers: ClinVar variation 315742 (VCV000315742.5), dbSNP rs185290497, ClinGen allele CA10646892.